The following is an entry in ClinVar:

NM_032383.5(HPS3):c.884+5T>A

Gene: HPS3 (HPS3 biogenesis of lysosomal organelles complex 2 subunit 1; plus strand). Cytogenetic location: 3q24.
Variant type: single nucleotide variant.
Coding change: c.884+5T>A on transcript NM_032383.5 (MANE Select); 5 bases into the intron after coding-DNA position 884, T replaced by A.
Molecular consequence: intron variant.
Genome position (GRCh38, 1-based): chr3:149,141,193, T>A. VCF-style: chr3-149141193-T-A. GRCh37 (hg19) VCF-style: chr3-148858980-T-A.
Other names: c.389+5T>A (NM_001308258.2).
Identifiers: ClinVar variation 1406730 (VCV001406730.3), dbSNP rs2108130222, ClinGen allele CA2573136652.
Genomic context (GRCh38, chr3:149,141,193, plus strand): 5'-ACGGGATTAGCTGATGAAAAAAGAAAATATTCCCACTTTCAGCACCTGCTCTATAGGTAT[T>A]ATAGTGCTTTTTTTTTTTTTACCAGCATTTTATGTATATATGCCTGCTTAAAGTACATGG-3'

ClinVar aggregate classification (germline): Uncertain significance (1 of 4 stars; one submission).

Submission:

Labcorp Genetics (formerly Invitae), Labcorp
Classification: Uncertain significance. Last evaluated: 2021-12-03. Review status: criteria provided, single submitter. Criteria: Invitae Variant Classification Sherloc (09022015). Collection method: clinical testing. Allele origin: germline.
Comment: This sequence change falls in intron 3 of the HPS3 gene. It does not directly change the encoded amino acid sequence of the HPS3 protein. It affects a nucleotide within the consensus splice site. This variant is not present in population databases (gnomAD no frequency). This variant has not been reported in the literature in individuals affected with HPS3-related conditions. Variants that disrupt the consensus splice site are a relatively common cause of aberrant splicing (PMID: 17576681, 9536098). Algorithms developed to predict the effect of sequence changes on RNA splicing suggest that this variant is not likely to affect RNA splicing. In summary, the available evidence is currently insufficient to determine the role of this variant in disease. Therefore, it has been classified as a Variant of Uncertain Significance.

Literature cited by the submitters: PubMed 17576681; PubMed 9536098.